The following is an entry in ClinVar:

ClinVar aggregate classification (germline): Benign/Likely benign. Review status: criteria provided, multiple submitters, no conflicts (2 of 4 stars). 4 submissions from 4 submitters: Benign (2); Likely benign (2). Last evaluated 2026-01-26.

Allele frequency attached by ClinVar (database versions not stated): gnomAD 0.00306; 1000 Genomes Project 30x 0.00375; 1000 Genomes Project 0.00379; TOPMed 0.00397; ESP Exome Variant Server 0.00408.
gnomAD v4.1: 1,320 of 1,593,756 alleles (0.083%); highest among the groups gnomAD compares: African/African-American, 1.2%; 5 homozygotes.

Submissions (4):

Labcorp Genetics (formerly Invitae), Labcorp
Classification: Benign. Last evaluated: 2026-01-26. Review status: criteria provided, single submitter. Criteria: Invitae Variant Classification Sherloc (09022015). Collection method: clinical testing. Allele origin: germline.

Mayo Clinic Laboratories, Mayo Clinic
Classification: Benign. Last evaluated: 2025-07-23. Review status: criteria provided, single submitter. Criteria: ACMG Guidelines, 2015. Collection method: clinical testing. Allele origin: germline. Observed: 2 variant alleles.
Comment: BS1, BS2, BP4

Blueprint Genetics
Classification: Likely benign. Last evaluated: 2024-10-02. Review status: criteria provided, single submitter. Criteria: ACMG Guidelines, 2015. Collection method: clinical testing. Allele origin: germline.

Laboratorio de Genetica e Diagnostico Molecular, Hospital Israelita Albert Einstein
Classification: Likely benign. Last evaluated: 2019-12-25. Review status: criteria provided, single submitter. Criteria: ACMG Guidelines, 2015. Collection method: clinical testing. Allele origin: germline. Affected: yes.
Comment: ACMG classification criteria: BS1, BP4

NM_001510.4(GRID2):c.2218G>A (p.Val740Ile)

Gene: GRID2 (glutamate ionotropic receptor delta type subunit 2; plus strand). Cytogenetic location: 4q22.2.
Variant type: single nucleotide variant.
Coding change: c.2218G>A on transcript NM_001510.4 (MANE Select); coding-DNA position 2218, G replaced by A.
Protein change: p.Val740Ile; replaces valine 740 with isoleucine.
Molecular consequence: missense variant.
Genome position (GRCh38, 1-based): chr4:93,626,293, G>A. VCF-style: chr4-93626293-G-A. GRCh37 (hg19) VCF-style: chr4-94547444-G-A.
Other names: p.Val740Ile; c.1933G>A, p.Val645Ile (NM_001286838.1); short protein forms V740I, V645I.
Identifiers: ClinVar variation 785104 (VCV000785104.13), dbSNP rs150846341, ClinGen allele CA3012487.